The following is an entry in ClinVar:

ClinVar aggregate classification (germline): Uncertain significance. Review status: criteria provided, multiple submitters, no conflicts (2 of 4 stars). 4 submissions from 4 submitters: Uncertain significance (4). Last evaluated 2025-07-16.

Conditions:
Inborn genetic diseases. Identifiers: MedGen C0950123, MeSH D030342.
Drash syndrome (DDS). Also called: NEPHROPATHY, WILMS TUMOR, AND GENITAL ANOMALIES; WILMS TUMOR AND PSEUDO- OR TRUE HERMAPHRODITISM. Identifiers: Orphanet 220, MedGen C0950121, MONDO:0008682, OMIM 194080.
Wilms tumor 1 (WT1). Also called: Wilms tumor, somatic. Identifiers: Orphanet 654, MedGen CN033288, MONDO:0008679, OMIM 194070.

Submissions (4):

Ambry Genetics
Classification: Uncertain significance for Inborn genetic diseases. Last evaluated: 2025-07-16. Review status: criteria provided, single submitter. Criteria: Ambry Variant Classification Scheme 2023. Collection method: clinical testing. Allele origin: germline.
Comment: The p.R19G variant (also known as c.55C>G), located in coding exon 1 of the WT1 gene, results from a C to G substitution at nucleotide position 55. The arginine at codon 19 is replaced by glycine, an amino acid with dissimilar properties. This amino acid position is conserved. In addition, this alteration is predicted to be tolerated by in silico analysis. Based on the available evidence, the clinical significance of this variant remains unclear.

Baylor Genetics
Classification: Uncertain significance for Drash syndrome. Last evaluated: 2023-10-05. Review status: criteria provided, single submitter. Criteria: ACMG Guidelines, 2015. Collection method: clinical testing. Allele origin: unknown.

All of Us Research Program, National Institutes of Health
Classification: Uncertain significance for Wilms tumor 1. Last evaluated: 2023-06-26. Review status: criteria provided, single submitter. Criteria: ACMG Guidelines, 2015. Collection method: clinical testing. Allele origin: germline. Inheritance: Autosomal dominant inheritance. Observed: 1 variant allele, 1 heterozygote.
Comment: This missense variant replaces arginine with glycine at codon 19 of the WT1 protein. Computational prediction suggests that this variant may not impact protein structure and function (internally defined REVEL score threshold <= 0.5, PMID: 27666373). To our knowledge, functional studies have not been reported for this variant. This variant has not been reported in individuals affected with WT1-related disorders in the literature. This variant has not been identified in the general population by the Genome Aggregation Database (gnomAD). The available evidence is insufficient to determine the role of this variant in disease conclusively. Therefore, this variant is classified as a Variant of Uncertain Significance.

This study involves interpretation of variants in research participants for the purpose of population health screening. Participant phenotype was not available at the time of variant classification. Additional details can be found in publication PMID: 35346344, PMCID: PMC8962531

St. Jude Molecular Pathology, St. Jude Children's Research Hospital
Classification: Uncertain significance for Wilms tumor 1. Last evaluated: 2022-09-28. Review status: criteria provided, single submitter. Criteria: St. Jude Assertion Criteria 2020. Collection method: clinical testing. Allele origin: germline.
Comment: The WT1 c.55C>G (p.Arg19Gly) missense change is absent in gnomAD v2.1.1. The in silico tool REVEL predicts a benign effect on protein function, but to our knowledge this prediction has not been confirmed by functional studies. To our knowledge, this variant has not been reported in individuals with WT1-related conditions. In summary, the evidence currently available is insufficient to determine the clinical significance of this variant. It has therefore been classified as of uncertain significance.

NM_024426.6(WT1):c.70C>G (p.Arg24Gly)

Genes: WT1 (WT1 transcription factor; minus strand), LOC107982234 (WT1/WT1-AS bi-directional promoter region; plus strand). Cytogenetic location: 11p13.
Variant type: single nucleotide variant.
Coding change: c.70C>G on transcript NM_024426.6 (MANE Select); coding-DNA position 70, C replaced by G.
Protein change: p.Arg24Gly; replaces arginine 24 with glycine.
Molecular consequence: missense variant. On other transcripts: non-coding transcript variant (1).
Genome position (GRCh38, 1-based): chr11:32,435,291, G>C on the plus strand (C>G on the coding strand, the complement: WT1 is on the minus strand). VCF-style: chr11-32435291-G-C. GRCh37 (hg19) VCF-style: chr11-32456837-G-C.
Other names: c.70C>G, p.Arg24Gly (NM_000378.6, NM_001407044.1, NM_001407045.1 and 6 more transcripts); c.55C>G, p.Arg19Gly (NM_024425.2); c.55C>G (NM_024426.4); short protein forms R19G, R24G.
Identifiers: ClinVar variation 1710951 (VCV001710951.4), dbSNP rs878855086, ClinGen allele CA379966448.